The following is an entry in ClinVar:

ClinVar aggregate classification (germline): Likely pathogenic (1 of 4 stars; one submission).

Conditions:
Bardet-Biedl syndrome (BBS). Identifiers: Orphanet 110, MedGen C0752166, MONDO:0015229.

Allele frequency attached by ClinVar (database versions not stated): gnomAD exomes below 0.00001.

Submission:

Labcorp Genetics (formerly Invitae), Labcorp
Classification: Likely pathogenic for Bardet-Biedl syndrome. Last evaluated: 2022-11-29. Review status: criteria provided, single submitter. Criteria: Invitae Variant Classification Sherloc (09022015). Collection method: clinical testing. Allele origin: germline.
Comment: In summary, the currently available evidence indicates that the variant is pathogenic, but additional data are needed to prove that conclusively. Therefore, this variant has been classified as Likely Pathogenic. Advanced modeling of protein sequence and biophysical properties (such as structural, functional, and spatial information, amino acid conservation, physicochemical variation, residue mobility, and thermodynamic stability) performed at Invitae indicates that this missense variant is expected to disrupt BBS10 protein function. This missense change has been observed in individual(s) with Bardet-Biedl syndrome (PMID: 22410627). This variant is not present in population databases (gnomAD no frequency). This sequence change replaces alanine, which is neutral and non-polar, with valine, which is neutral and non-polar, at codon 323 of the BBS10 protein (p.Ala323Val).

Literature cited by the submitters: PubMed 22410627.

NM_024685.4(BBS10):c.968C>T (p.Ala323Val)

Gene: BBS10 (Bardet-Biedl syndrome 10; minus strand). Cytogenetic location: 12q21.2.
Variant type: single nucleotide variant.
Coding change: c.968C>T on transcript NM_024685.4 (MANE Select); coding-DNA position 968, C replaced by T.
Protein change: p.Ala323Val; replaces alanine 323 with valine.
Molecular consequence: missense variant.
Genome position (GRCh38, 1-based): chr12:76,347,017, G>A on the plus strand (C>T on the coding strand, the complement: BBS10 is on the minus strand). VCF-style: chr12-76347017-G-A. GRCh37 (hg19) VCF-style: chr12-76740797-G-A.
Other names: short protein forms A323V.
Identifiers: ClinVar variation 2735917 (VCV002735917.3), dbSNP rs2540956288, ClinGen allele CA385813351.